The following is an entry in ClinVar:

NM_133433.4(NIPBL):c.2807A>C (p.Asp936Ala)

Gene: NIPBL (NIPBL cohesin loading factor; plus strand). Cytogenetic location: 5p13.2.
Variant type: single nucleotide variant.
Coding change: c.2807A>C on transcript NM_133433.4 (MANE Select); coding-DNA position 2807, A replaced by C.
Protein change: p.Asp936Ala; replaces aspartic acid 936 with alanine.
Molecular consequence: missense variant.
Genome position (GRCh38, 1-based): chr5:36,985,987, A>C. VCF-style: chr5-36985987-A-C. GRCh37 (hg19) VCF-style: chr5-36986089-A-C.
Other names: c.2807A>C, p.Asp936Ala (NM_001438586.1, NM_015384.5); short protein forms D936A.
Identifiers: ClinVar variation 4851428 (VCV004851428.1).

ClinVar aggregate classification (germline): Uncertain significance (1 of 4 stars; one submission).

Conditions:
Cornelia de Lange syndrome 1 (CDLS1). Also called: TYPUS DEGENERATIVUS AMSTELODAMENSIS; Brachmann de Lange syndrome; NIPBL-Related Cornelia de Lange Syndrome. Identifiers: Orphanet 199, MedGen C4551851, MONDO:0007387, OMIM 122470.

Submission:

Institute of Immunology and Genetics Kaiserslautern
Classification: Uncertain significance for Cornelia de Lange syndrome 1. Last evaluated: 2026-03-20. Review status: criteria provided, single submitter. Criteria: ACMG Guidelines, 2015. Collection method: clinical testing. Allele origin: germline.
Comment: ACMG Criteria: PM2_P, PM6; Variant was found in heterozygous state. De novo-status was assumed after via in-house segregation analysis in the father. Mother was not available.